The following is an entry in ClinVar:

NM_194248.3(OTOF):c.4582G>A (p.Asp1528Asn)

Gene: OTOF (otoferlin; minus strand). Cytogenetic location: 2p23.3.
Variant type: single nucleotide variant.
Coding change: c.4582G>A on transcript NM_194248.3 (MANE Select); coding-DNA position 4582, G replaced by A.
Protein change: p.Asp1528Asn; replaces aspartic acid 1528 with asparagine.
Molecular consequence: missense variant.
Genome position (GRCh38, 1-based): chr2:26,465,995, C>T on the plus strand (G>A on the coding strand, the complement: OTOF is on the minus strand). VCF-style: chr2-26465995-C-T. GRCh37 (hg19) VCF-style: chr2-26688863-C-T.
Other names: NM_194248.3(OTOF):c.4582G>A; c.4582G>A, p.Asp1528Asn (NM_001287489.2); c.2281G>A, p.Asp761Asn (NM_004802.4, NM_194323.3); c.2512G>A, p.Asp838Asn (NM_194322.3); short protein forms D1528N, D761N, D838N.
Identifiers: ClinVar variation 48238 (VCV000048238.22), dbSNP rs138151478, ClinGen allele CA142894.

ClinVar aggregate classification (germline): Likely benign. Review status: reviewed by expert panel (3 of 4 stars). 5 submissions from 5 submitters: Likely benign (1). 4 of the submissions do not count toward it. Last evaluated 2021-07-27.

Conditions:
OTOF-related disorder. Also called: OTOF-related condition.
Nonsyndromic genetic hearing loss. Also called: Nonsyndromic hearing loss and deafness; Non-syndromic genetic deafness; Nonsyndromic genetic deafness. Identifiers: Orphanet 87884, MedGen C5680182, MONDO:0019497.

Allele frequency attached by ClinVar (database versions not stated): gnomAD exomes 0.00035; ExAC 0.00037; 1000 Genomes Project 0.00080; 1000 Genomes Project 30x 0.00094; ESP Exome Variant Server 0.00131; TOPMed 0.00154; gnomAD 0.00156 and 0.00168.
gnomAD v4.1: 459 of 1,614,224 alleles (0.028%); highest among the groups gnomAD compares: African/African-American, 0.55%; 2 homozygotes.

Submissions (5):

ClinGen Hearing Loss Variant Curation Expert Panel
Classification: Likely benign for Nonsyndromic genetic hearing loss. Last evaluated: 2021-07-27. Review status: reviewed by expert panel. Criteria: clingen hl acmg specifications otof myo15a v1. Collection method: curation. Allele origin: germline. Inheritance: Autosomal recessive inheritance.
Comment: The filtering allele frequency (the lower threshold of the 95% CI of 119/24962) of the c.4582G>A (p.Asp1528Asn) variant in the OTOF gene is 0.407% for African/African-American chromosomes by gnomAD, which is a high enough frequency to be classified as likely benign based on the thresholds defined by the ClinGen Hearing Loss Expert Panel for autosomal recessive hearing loss variants (BS1).

Labcorp Genetics (formerly Invitae), Labcorp
Classification: Likely benign. Last evaluated: 2026-01-28. Review status: criteria provided, single submitter. Criteria: Invitae Variant Classification Sherloc (09022015). Collection method: clinical testing. Allele origin: germline. Not counted in ClinVar's aggregate classification.

ARUP Laboratories, Molecular Genetics and Genomics, ARUP Laboratories
Classification: Likely benign. Last evaluated: 2017-12-29. Review status: criteria provided, single submitter. Criteria: ARUP Molecular Germline Variant Investigation Process. Collection method: clinical testing. Allele origin: germline. Not counted in ClinVar's aggregate classification.
Comment: The OTOF p.Asp1528Asn variant (rs138151478) has been reported in a patient with hearing loss who was also homozygous for a pathogenic mutation in OTOF (Romanos 2009). The p.Asp1528Asn variant is listed in the Genome Aggregation Database (gnomAD) browser with an allele frequency of 0.48% in the African population (identified in 116 out of 24,026 chromosomes), and is classified as likely benign in ClinVar (Variant ID: 48238). Therefore, based on the available evidence, the p.Asp1528Asn variant is classified as likely benign.

Laboratory for Molecular Medicine, Mass General Brigham Personalized Medicine
Classification: Likely benign. Last evaluated: 2015-07-20. Review status: criteria provided, single submitter. Criteria: LMM Criteria. Collection method: clinical testing. Allele origin: germline. Observed: 2 variant alleles. Not counted in ClinVar's aggregate classification.
Comment: p.Asp1528Asn in Exon 37 of OTOF: This variant is not expected to have clinical s ignificance because it has been identified in 0.4% (43/10406) of African chromos omes by the Exome Aggregation Consortium (ExAC; dbSNP rs138151478).

PreventionGenetics, part of Exact Sciences
Classification: Likely benign for OTOF-related condition. Last evaluated: 2024-07-10. Review status: no assertion criteria provided. Collection method: clinical testing. Allele origin: germline. Not counted in ClinVar's aggregate classification.
Comment: This variant is classified as likely benign based on ACMG/AMP sequence variant interpretation guidelines (Richards et al. 2015 PMID: 25741868, with internal and published modifications).